The following is an entry in ClinVar:

ClinVar aggregate classification (germline): Uncertain significance. Review status: criteria provided, multiple submitters, no conflicts (2 of 4 stars). 3 submissions from 3 submitters: Uncertain significance (3). Last evaluated 2025-12-30.

Conditions:
Generalized epilepsy-paroxysmal dyskinesia syndrome (PNKD3). Also called: Paroxysmal nonkinesigenic dyskinesia, 3, with or without generalized epilepsy; Generalized epilepsy and paroxysmal dyskinesia. Identifiers: Orphanet 79137, MedGen C5574945, MONDO:0012276, OMIM 609446.

Allele frequency attached by ClinVar (database versions not stated): gnomAD 0.00004 and 0.00005; ExAC 0.00005; TOPMed 0.00006; ESP Exome Variant Server 0.00008.
gnomAD v4.1: 33 of 1,613,946 alleles (0.002%); highest among the groups gnomAD compares: African/African-American, 0.015%; no homozygotes.

Submissions (3):

Labcorp Genetics (formerly Invitae), Labcorp
Classification: Uncertain significance for Generalized epilepsy-paroxysmal dyskinesia syndrome. Last evaluated: 2025-12-30. Review status: criteria provided, single submitter. Criteria: Invitae Variant Classification Sherloc (09022015). Collection method: clinical testing. Allele origin: germline.
Comment: This sequence change replaces valine, which is neutral and non-polar, with methionine, which is neutral and non-polar, at codon 1109 of the KCNMA1 protein (p.Val1109Met). This variant is present in population databases (rs376264061, gnomAD 0.03%). This variant has not been reported in the literature in individuals affected with KCNMA1-related conditions. ClinVar contains an entry for this variant (Variation ID: 848841). An algorithm developed to predict the effect of missense changes on protein structure and function (PolyPhen-2) suggests that this variant is likely to be disruptive. In summary, the available evidence is currently insufficient to determine the role of this variant in disease. Therefore, it has been classified as a Variant of Uncertain Significance.

New York Genome Center
Classification: Uncertain significance for Generalized epilepsy-paroxysmal dyskinesia syndrome. Last evaluated: 2021-07-16. Review status: criteria provided, single submitter. Criteria: NYGC Assertion Criteria 2020. Collection method: clinical testing. Allele origin: inherited. Observed: 1 heterozygote. Study: CSER-NYCKidSeq.

Illumina Laboratory Services, Illumina
Classification: Uncertain significance for Generalized epilepsy-paroxysmal dyskinesia syndrome. Last evaluated: 2018-01-12. Review status: criteria provided, single submitter. Criteria: ICSL Variant Classification Criteria 13 December 2019. Collection method: clinical testing. Allele origin: germline.

NM_001161352.2(KCNMA1):c.3499G>A (p.Val1167Met)

Gene: KCNMA1 (potassium calcium-activated channel subfamily M alpha 1; minus strand). Cytogenetic location: 10q22.3.
Variant type: single nucleotide variant.
Coding change: c.3499G>A on transcript NM_001161352.2 (MANE Select); coding-DNA position 3499, G replaced by A.
Protein change: p.Val1167Met; replaces valine 1167 with methionine.
Molecular consequence: missense variant.
Genome position (GRCh38, 1-based): chr10:76,887,478, C>T on the plus strand (G>A on the coding strand, the complement: KCNMA1 is on the minus strand). VCF-style: chr10-76887478-C-T. GRCh37 (hg19) VCF-style: chr10-78647236-C-T.
Other names: c.3337G>A, p.Val1113Met (NM_001014797.3); c.3448G>A, p.Val1150Met (NM_001161353.2); c.3175G>A, p.Val1059Met (NM_001271518.2); c.3415G>A, p.Val1139Met (NM_001271519.2); c.3334G>A, p.Val1112Met (NM_001322829.2, NM_001322836.2); c.3427G>A, p.Val1143Met (NM_001322830.2); c.3325G>A, p.Val1109Met (NM_001322832.2, NM_002247.4); c.3418G>A, p.Val1140Met (NM_001322835.2, NM_001322837.2); and 1 more; short protein forms V1059M, V1113M, V1143M, V1112M, V1139M, V1167M, V1109M, V1140M.
Identifiers: ClinVar variation 848841 (VCV000848841.14), dbSNP rs376264061, ClinGen allele CA5567825.